The following is an entry in ClinVar:

NM_000079.4(CHRNA1):c.439T>C (p.Tyr147His)

Gene: CHRNA1 (cholinergic receptor nicotinic alpha 1 subunit; minus strand). Cytogenetic location: 2q31.1.
Variant type: single nucleotide variant.
Coding change: c.439T>C on transcript NM_000079.4 (MANE Select); coding-DNA position 439, T replaced by C.
Protein change: p.Tyr147His; replaces tyrosine 147 with histidine.
Molecular consequence: missense variant.
Genome position (GRCh38, 1-based): chr2:174,754,320, A>G on the plus strand (T>C on the coding strand, the complement: CHRNA1 is on the minus strand). VCF-style: chr2-174754320-A-G. GRCh37 (hg19) VCF-style: chr2-175619048-A-G.
Other names: c.514T>C, p.Tyr172His (NM_001039523.3); short protein forms Y147H, Y172H.
Identifiers: ClinVar variation 1045348 (VCV001045348.8), dbSNP rs1224199250, ClinGen allele CA349341332.

ClinVar aggregate classification (germline): Uncertain significance (1 of 4 stars; one submission).

Conditions:
Lethal multiple pterygium syndrome (LMPS). Identifiers: Orphanet 33108, MedGen C1854678, MONDO:0009668, OMIM 253290.

Allele frequency attached by ClinVar (database versions not stated): gnomAD exomes below 0.00001 and 0.00001; gnomAD 0.00001.
gnomAD v4.1: 5 of 1,614,086 alleles (0.00031%); highest among the groups gnomAD compares: Admixed American, 0.0067%; no homozygotes.

Submission:

Labcorp Genetics (formerly Invitae), Labcorp
Classification: Uncertain significance for Lethal multiple pterygium syndrome. Last evaluated: 2022-06-14. Review status: criteria provided, single submitter. Criteria: Invitae Variant Classification Sherloc (09022015). Collection method: clinical testing. Allele origin: germline.
Comment: This sequence change replaces tyrosine, which is neutral and polar, with histidine, which is basic and polar, at codon 147 of the CHRNA1 protein (p.Tyr147His). This variant is present in population databases (no rsID available, gnomAD 0.0009%). This variant has not been reported in the literature in individuals affected with CHRNA1-related conditions. ClinVar contains an entry for this variant (Variation ID: 1045348). Algorithms developed to predict the effect of missense changes on protein structure and function are either unavailable or do not agree on the potential impact of this missense change (SIFT: "Deleterious"; PolyPhen-2: "Probably Damaging"; Align-GVGD: "Class C0"). In summary, the available evidence is currently insufficient to determine the role of this variant in disease. Therefore, it has been classified as a Variant of Uncertain Significance.